The following is an entry in ClinVar:

ClinVar aggregate classification (germline): Uncertain significance (1 of 4 stars; one submission).

Conditions:
Congenital disorder of glycosylation, type 2v. Identifiers: Orphanet 695783, MedGen C5561971, MONDO:0030423, OMIM 619493.

gnomAD v4.1: 57 of 1,613,882 alleles (0.0035%); highest among the groups gnomAD compares: Middle Eastern, 0.033%; no homozygotes.

Submission:

Juno Genomics, Hangzhou Juno Genomics, Inc
Classification: Uncertain significance for Congenital disorder of glycosylation, type 2v. Review status: criteria provided, single submitter. Criteria: ACMG Guidelines, 2015. Collection method: clinical testing. Allele origin: germline. Affected: yes.
Comment: Absent from controls (or at extremely low frequency if recessive) in Genome Aggregation Database, Exome Sequencing Project, 1000 Genomes Project, or Exome Aggregation Consortium.

NM_025191.4(EDEM3):c.286G>A (p.Val96Ile)

Gene: EDEM3 (ER degradation enhancing alpha-mannosidase like protein 3; minus strand). Cytogenetic location: 1q25.3.
Variant type: single nucleotide variant.
Coding change: c.286G>A on transcript NM_025191.4 (MANE Select); coding-DNA position 286, G replaced by A.
Protein change: p.Val96Ile; replaces valine 96 with isoleucine.
Molecular consequence: missense variant. On other transcripts: non-coding transcript variant (1).
Genome position (GRCh38, 1-based): chr1:184,737,630, C>T on the plus strand (G>A on the coding strand, the complement: EDEM3 is on the minus strand). VCF-style: chr1-184737630-C-T. GRCh37 (hg19) VCF-style: chr1-184706764-C-T.
Other names: c.286G>A, p.Val96Ile (NM_001319960.2); short protein forms V96I.
Identifiers: ClinVar variation 3382959 (VCV003382959.2).
Genomic context (GRCh38, chr1:184,737,630, plus strand): 5'-GAACTCTGAGATGCCATGCCATGCCCTGTGTTAATACTCACTTTCCCAAGGCATCATCAA[C>T]GTCACCGCGACTTGGCTCTTGGCCTCTAACTCGACCTCTACAGGTTAAAGGCATGAGTTC-3'
Protein context (NP_079467.3, residues 86-106): VRGQEPSRGD[Val96Ile]DDALGKFSLT